The following is an entry in ClinVar:

ClinVar aggregate classification (germline): Pathogenic/Likely pathogenic. Review status: criteria provided, multiple submitters, no conflicts (2 of 4 stars). 3 submissions from 3 submitters: Pathogenic (2); Likely pathogenic (1). Last evaluated 2022-12-22.

Conditions:
Nephropathic cystinosis (CTNS). Also called: Abderhalden Lignac Kaufmann disease; Abderhalden-Kaufmann-Lignac syndrome; CYSTINOSIN, DEFECT OF; LYSOSOMAL CYSTINE TRANSPORT PROTEIN, DEFECT OF. Identifiers: Orphanet 213, Orphanet 411629, MedGen C2931187, MONDO:0100151, OMIM 219800.
Juvenile nephropathic cystinosis. Also called: Intermediate Cystinosis; CYSTINOSIS, LATE-ONSET JUVENILE OR ADOLESCENT NEPHROPATHIC TYPE; Later-Onset (Juvenile) Cystinosis. Identifiers: Orphanet 213, Orphanet 411634, MedGen C0268626, MONDO:0009066, OMIM 219900.
Inborn genetic diseases. Identifiers: MedGen C0950123, MeSH D030342.
Ocular cystinosis. Also called: Non-Nephropathic Cystinosis; Non-Nephropathic (Ocular) Cystinosis. Identifiers: Orphanet 213, Orphanet 411641, MedGen C2931013, MONDO:0009064, OMIM 219750.
Cystinosis. Also called: Cystine diathesis; Cystine storage disease; Cystinoses. Identifiers: Orphanet 213, MedGen C4316899, MONDO:0016239.

Allele frequency attached by ClinVar (database versions not stated): gnomAD exomes below 0.00001.
gnomAD v4.1: 1 of 1,613,138 alleles (0.000062%); highest among the groups gnomAD compares: Non-Finnish European, 0.000085%; no homozygotes.

Submissions (3):

Baylor Genetics
Classification: Pathogenic for Nephropathic cystinosis. Last evaluated: 2022-12-22. Review status: criteria provided, single submitter. Criteria: ACMG Guidelines, 2015. Collection method: clinical testing. Allele origin: unknown.

Labcorp Genetics (formerly Invitae), Labcorp
Classification: Pathogenic for Inborn genetic diseases; Ocular cystinosis; Juvenile nephropathic cystinosis. Last evaluated: 2022-07-02. Review status: criteria provided, single submitter. Criteria: Invitae Variant Classification Sherloc (09022015). Collection method: clinical testing. Allele origin: germline.
Comment: This sequence change creates a premature translational stop signal (p.Gln189*) in the CTNS gene. It is expected to result in an absent or disrupted protein product. Loss-of-function variants in CTNS are known to be pathogenic (PMID: 9537412, 27102039). This variant is not present in population databases (gnomAD no frequency). This variant has not been reported in the literature in individuals affected with CTNS-related conditions. For these reasons, this variant has been classified as Pathogenic.

Women's Health and Genetics/Laboratory Corporation of America, LabCorp
Classification: Likely pathogenic for Cystinosis. Last evaluated: 2022-05-20. Review status: criteria provided, single submitter. Criteria: LabCorp Variant Classification Summary - May 2015. Collection method: clinical testing. Allele origin: germline.
Comment: Variant summary: CTNS c.565C>T (p.Gln189X) results in a premature termination codon, predicted to cause a truncation of the encoded protein or absence of the protein due to nonsense mediated decay, which are commonly known mechanisms for disease. Truncations downstream of this position have been classified as pathogenic by our laboratory. The variant was absent in 251320 control chromosomes (gnomAD). c.565C>T has been reported in the literature in at least one compound heterozygous individual affected with Cystinosis (Bengali_2021). This data does not allow any conclusion about variant significance. To our knowledge, no experimental evidence demonstrating an impact on protein function has been reported. No clinical diagnostic laboratories have submitted clinical-significance assessments for this variant to ClinVar after 2014. Based on the evidence outlined above, the variant was classified as likely pathogenic.

Literature cited by the submitters: PubMed 9537412 (cited by Labcorp Genetics (formerly Invitae), Labcorp); PubMed 27102039 (cited by Labcorp Genetics (formerly Invitae), Labcorp); PubMed 33661986 (cited by Women's Health and Genetics/Laboratory Corporation of America, LabCorp).

NM_004937.3(CTNS):c.565C>T (p.Gln189Ter)

Genes: CTNS (cystinosin, lysosomal cystine transporter; plus strand), CTNS-AS1 (CTNS antisense RNA 1; minus strand). Cytogenetic location: 17p13.2.
Variant type: single nucleotide variant.
Coding change: c.565C>T on transcript NM_004937.3 (MANE Select); coding-DNA position 565, C replaced by T.
Protein change: p.Gln189Ter; replaces glutamine 189 with a stop codon.
Molecular consequence: nonsense.
Genome position (GRCh38, 1-based): chr17:3,656,679, C>T. VCF-style: chr17-3656679-C-T. GRCh37 (hg19) VCF-style: chr17-3559973-C-T.
Other names: c.565C>T, p.Gln189Ter (NM_001031681.3, NM_001374492.1); c.124C>T, p.Gln42Ter (NM_001374493.1, NM_001374494.1, NM_001374495.1 and 1 more transcripts); short protein forms Q189*, Q42*.
Identifiers: ClinVar variation 1698582 (VCV001698582.7), dbSNP rs1597654770, ClinGen allele CA397691445.